The following is an entry in ClinVar:

NM_001378454.1(ALMS1):c.12362+23A>T

Gene: ALMS1 (ALMS1 centrosome and basal body associated protein; plus strand). Cytogenetic location: 2p13.1.
Variant type: single nucleotide variant.
Coding change: c.12362+23A>T on transcript NM_001378454.1 (MANE Select); 23 bases into the intron after coding-DNA position 12362, A replaced by T.
Molecular consequence: intron variant.
Genome position (GRCh38, 1-based): chr2:73,603,327, A>T. VCF-style: chr2-73603327-A-T. GRCh37 (hg19) VCF-style: chr2-73830454-A-T.
Other names: c.12362+23A>T (NM_015120.4); c.12365+23A>T (NM_015120.4).
Identifiers: ClinVar variation 677831 (VCV000677831.2), dbSNP rs116733486, ClinGen allele CA1715546.

ClinVar aggregate classification (germline): Benign. Review status: criteria provided, multiple submitters, no conflicts (2 of 4 stars). 2 submissions from 2 submitters: Benign (2). Last evaluated 2018-06-14.

Allele frequency attached by ClinVar (database versions not stated): ESP Exome Variant Server 0.01346; gnomAD exomes 0.01557 and 0.02957; ExAC 0.03617; gnomAD 0.07197 and 0.07580; 1000 Genomes Project 0.08127; TOPMed 0.08535; 1000 Genomes Project 30x 0.08916.
gnomAD v4.1: 33,822 of 1,607,510 alleles (2.1%); highest among the groups gnomAD compares: African/African-American, 19%; 2,324 homozygotes.

Submissions (2):

GeneDx
Classification: Benign. Last evaluated: 2018-06-14. Review status: criteria provided, single submitter. Criteria: GeneDx Variant Classification (06012015). Collection method: clinical testing. Allele origin: germline. Affected: yes.
Comment: This variant is considered likely benign or benign based on one or more of the following criteria: it is a conservative change, it occurs at a poorly conserved position in the protein, it is predicted to be benign by multiple in silico algorithms, and/or has population frequency not consistent with disease.

Breakthrough Genomics
Classification: Benign. Review status: criteria provided, single submitter. Criteria: ACMG Guidelines, 2015. Collection method: not provided. Allele origin: germline. Inheritance: Autosomal recessive inheritance. Affected: yes.